The following is an entry in ClinVar:

NM_139057.4(ADAMTS17):c.2798G>T (p.Cys933Phe)

Gene: ADAMTS17 (ADAM metallopeptidase with thrombospondin type 1 motif 17; minus strand). Cytogenetic location: 15q26.3.
Variant type: single nucleotide variant.
Coding change: c.2798G>T on transcript NM_139057.4 (MANE Select); coding-DNA position 2798, G replaced by T.
Protein change: p.Cys933Phe; replaces cysteine 933 with phenylalanine.
Molecular consequence: missense variant.
Genome position (GRCh38, 1-based): chr15:99,993,199, C>A on the plus strand (G>T on the coding strand, the complement: ADAMTS17 is on the minus strand). VCF-style: chr15-99993199-C-A. GRCh37 (hg19) VCF-style: chr15-100533404-C-A.
Other names: short protein forms C933F.
Identifiers: ClinVar variation 1991388 (VCV001991388.4), dbSNP rs2547991842, ClinGen allele CA393693675.

ClinVar aggregate classification (germline): Uncertain significance (1 of 4 stars; one submission).

Submission:

Labcorp Genetics (formerly Invitae), Labcorp
Classification: Uncertain significance. Last evaluated: 2022-05-29. Review status: criteria provided, single submitter. Criteria: Invitae Variant Classification Sherloc (09022015). Collection method: clinical testing. Allele origin: germline.
Comment: This sequence change replaces cysteine, which is neutral and slightly polar, with phenylalanine, which is neutral and non-polar, at codon 933 of the ADAMTS17 protein (p.Cys933Phe). This variant is not present in population databases (gnomAD no frequency). This variant has not been reported in the literature in individuals affected with ADAMTS17-related conditions. Algorithms developed to predict the effect of missense changes on protein structure and function are either unavailable or do not agree on the potential impact of this missense change (SIFT: "Not Available"; PolyPhen-2: "Probably Damaging"; Align-GVGD: "Not Available"). In summary, the available evidence is currently insufficient to determine the role of this variant in disease. Therefore, it has been classified as a Variant of Uncertain Significance.